The following is an entry in ClinVar:

NM_014727.3(KMT2B):c.271C>T (p.Arg91Trp)

Gene: KMT2B (lysine methyltransferase 2B; plus strand). Cytogenetic location: 19q13.12.
Variant type: single nucleotide variant.
Coding change: c.271C>T on transcript NM_014727.3 (MANE Select); coding-DNA position 271, C replaced by T.
Protein change: p.Arg91Trp; replaces arginine 91 with tryptophan.
Molecular consequence: missense variant.
Genome position (GRCh38, 1-based): chr19:35,718,289, C>T. VCF-style: chr19-35718289-C-T. GRCh37 (hg19) VCF-style: chr19-36209191-C-T.
Other names: short protein forms R91W.
Identifiers: ClinVar variation 2412861 (VCV002412861.3), dbSNP rs2513307014, ClinGen allele CA405375450.

ClinVar aggregate classification (germline): Uncertain significance (1 of 4 stars; one submission).

Submission:

GeneDx
Classification: Uncertain significance. Last evaluated: 2022-07-27. Review status: criteria provided, single submitter. Criteria: GeneDx Variant Classification Process June 2021. Collection method: clinical testing. Allele origin: germline. Affected: yes.
Comment: Not observed at significant frequency in large population cohorts (gnomAD); In silico analysis supports that this missense variant does not alter protein structure/function; Has not been previously published as pathogenic or benign to our knowledge